The following is an entry in ClinVar:

ClinVar aggregate classification (germline): Pathogenic/Likely pathogenic. Review status: criteria provided, multiple submitters, no conflicts (2 of 4 stars). 20 submissions from 20 submitters: Pathogenic (15); Likely pathogenic (1). 4 of the submissions do not count toward it. Last evaluated 2026-05-26.

Conditions:
Hearing loss. Identifiers: MedGen C3887873.
GJB2-related disorder. Also called: GJB2-related condition; GJB2-related disorders. Identifiers: MedGen CN382183, MONDO:1060236.
Rare genetic deafness. Identifiers: Orphanet 96210, MedGen C5680250.
Autosomal recessive nonsyndromic hearing loss 1A (DFNB1A). Also called: Nonsyndromic Hearing Loss and Deafness, DFNB1; GJB6-Related DFNB 1 Nonsyndromic Hearing Loss and Deafness; Deafness, autosomal recessive 1A; Connexin 26 deafness; Deafness nonsyndromic, Connexin 26 linked; GJB2-Related Autosomal Recessive Nonsyndromic Hearing Loss. Identifiers: Orphanet 90636, MedGen C2673759, MONDO:0009076, OMIM 220290.
Hearing impairment. Also called: Impaired Hearing. Identifiers: MedGen C1384666, MONDO:0005365, HP:0000365.

Submissions 1 to 11 of 20:

PreventionGenetics, part of Exact Sciences
Classification: Pathogenic for GJB2-related condition. Last evaluated: 2026-05-26. Review status: criteria provided, single submitter. Criteria: ACMG Guidelines, 2015. Collection method: clinical testing. Allele origin: germline.
Comment: The GJB2 c.35dupG variant is predicted to result in a frameshift and premature protein termination (p.Val13Cysfs*35). This variant, also described as c.35insG in the literature, has been reported in several individuals with autosomal recessive non-syndromic hearing loss (see for example: Estivill et al. 1998. PubMed ID: 9482292; Table S2, Shen et al. 2019. PubMed ID: 31160754; Table S3, Yuan et al. 2019. PubMed ID: 31541171; Table S2, Wu et al. 2022. PubMed ID: 35982127; Table S2, Ma et al. 2023. PubMed ID: 36597107; Table S1, Peart et al. 2023. PubMed ID: 37996878). This variant is reported in 0.011% of alleles in individuals of East Asian descent in gnomAD. Frameshift variants in GJB2 are expected to be pathogenic, and this variant has been consistently classified as pathogenic/likely pathogenic by several submitters to the ClinVar database. Additionally, a different frameshift occurring at the same nucleotide position (c.35delG) has been reported to be one of the most common causative variants for autosomal recessive non-syndromic hearing loss and deafness (Zelante et al. 1997. PubMed ID: 9285800). This variant is interpreted as pathogenic.

Department of Otolaryngology Head and Neck Surgery, Hainan Hospital of the Chinese People’s Liberation Army General Hospital
Classification: Pathogenic for Autosomal recessive nonsyndromic hearing loss 1A. Last evaluated: 2026-02-01. Review status: criteria provided, single submitter. Criteria: ACMG Guidelines, 2015. Collection method: clinical testing. Allele origin: germline. Affected: no. Observed: 1 variant allele.
Comment: The GJB2 c.35dupG (p.Val13CysfsTer35) variant is a frameshift mutation classified as pathogenic for autosomal recessive nonsyndromic hearing loss(Accession: VCV000094392.72). The variant causes a frameshift resulting in premature termination and is predicted to lead to a truncated protein or nonsense-mediated decay (PVS1). A large-scale GWAS has confirmed significant association with hearing loss (Praveen2022)

Natera, Inc.
Classification: Pathogenic for Autosomal recessive deafness type 1A. Last evaluated: 2025-09-22. Review status: criteria provided, single submitter. Criteria: Natera Variant Classification Schema (03/2026). Collection method: clinical testing. Allele origin: germline.
Comment: The c.35dupG variant in GJB2 is a frameshift variant predicted to shift the reading frame beginning at codon 13 and leads to a stop codon 35 codons downstream. This variant is expected to result in nonsense mediated decay, truncation, or a dysfunctional protein product. This variant is rare in the general population with a frequency below the threshold expected for the associated phenotype(s). This variant has been observed in one or more individuals affected with the associated recessive disease, as either homozygous or compound heterozygous with a second variant (PMID: 27792752). Given the available evidence, this variant is classified as Pathogenic.

Labcorp Genetics (formerly Invitae), Labcorp
Classification: Pathogenic. Last evaluated: 2025-07-23. Review status: criteria provided, single submitter. Criteria: Invitae Variant Classification Sherloc (09022015). Collection method: clinical testing. Allele origin: germline.
Comment: This sequence change creates a premature translational stop signal (p.Val13Cysfs*35) in the GJB2 gene. While this is not anticipated to result in nonsense mediated decay, it is expected to disrupt the last 214 amino acid(s) of the GJB2 protein. This variant is present in population databases (rs398123814, gnomAD 0.01%). This premature translational stop signal has been observed in individuals with autosomal recessive deafness (PMID: 11439000, 18519481, 19366456, 20497192, 23638949, 24503448). It has also been observed to segregate with disease in related individuals. This variant is also known as 35insG. ClinVar contains an entry for this variant (Variation ID: 94392). For these reasons, this variant has been classified as Pathogenic.

Variantyx, Inc.
Classification: Pathogenic for Autosomal recessive nonsyndromic hearing loss 1A. Last evaluated: 2025-06-27. Review status: criteria provided, single submitter. Criteria: Variantyx Assertion Criteria 2022. Collection method: clinical testing. Allele origin: germline. Inheritance: Autosomal recessive inheritance. Affected: yes.
Comment: This is a frameshift variant in the GJB2 gene (OMIM: 121011). Pathogenic variants in this gene have been associated with autosomal recessive hearing loss 1A. This variant introduces a premature termination codon in exon 2 out of 2 and is expected to result in loss of function, a known disease mechanism for GJB2 in this disorder (PMID: 26096904, 24158611) (PVS1_Strong). It has a 0.0112% maximum allele frequency in non-founder control populations. Based on the current evidence, this variant is classified as pathogenic for autosomal recessive hearing loss 1A.

CeGaT Center for Human Genetics Tuebingen
Classification: Pathogenic. Last evaluated: 2023-11-01. Review status: criteria provided, single submitter. Criteria: CeGaT Center For Human Genetics Tuebingen Variant Classification Criteria Version 2. Collection method: clinical testing. Allele origin: germline. Affected: yes. Observed: 1 variant allele.

Athena Diagnostics
Classification: Pathogenic. Last evaluated: 2023-01-10. Review status: criteria provided, single submitter. Criteria: Athena Diagnostics Criteria. Collection method: clinical testing. Allele origin: unknown.
Comment: This variant is expected to result in the loss of a functional protein. The frequency of this variant in the general population is consistent with pathogenicity. (Genome Aggregation Database (gnomAD), Cambridge, MA (URL)) In multiple individuals with nonsyndromic hearing loss, this variant has been seen with a single recessive pathogenic variant in the same gene. In some published literature, this variant is referred to as c.35insG.

GeneDx
Classification: Pathogenic. Last evaluated: 2022-10-27. Review status: criteria provided, single submitter. Criteria: GeneDx Variant Classification Process June 2021. Collection method: clinical testing. Allele origin: germline. Affected: yes.
Comment: Frameshift variant predicted to result in protein truncation, as the last 214 amino acids are replaced with 34 different amino acids, and other loss-of-function variants have been reported downstream in the Human Gene Mutation Database (HGMD); This variant is associated with the following publications: (PMID: 9482292, 29754767, 31589614, 31541171, 29871260, 32645618, 31160754, 34416374, 23638949, 20639189, 24503448)

Blueprint Genetics
Classification: Pathogenic for GJB2-related disorders. Last evaluated: 2021-12-16. Review status: criteria provided, single submitter. Criteria: ACMG Guidelines, 2015. Collection method: clinical testing. Allele origin: germline. Affected: yes. Observed: 4 variant alleles.

Department of Otolaryngology – Head & Neck Surgery, Cochlear Implant Center
Classification: Likely pathogenic for Hearing impairment. Last evaluated: 2021-04-12. Review status: criteria provided, single submitter. Criteria: ClinGen HL ACMG Specifications v1. Collection method: clinical testing. Allele origin: germline. Affected: yes.
Comment: PVS1_Strong, PM2_Moderate, BP5_Supporting

Women's Health and Genetics/Laboratory Corporation of America, LabCorp
Classification: Pathogenic for Autosomal recessive nonsyndromic hearing loss 1A. Last evaluated: 2021-02-09. Review status: criteria provided, single submitter. Criteria: LabCorp Variant Classification Summary - May 2015. Collection method: clinical testing. Allele origin: germline.
Comment: Variant summary: GJB2 c.35dupG (p.Val13CysfsX35) results in a premature termination codon, predicted to cause a truncation, which is a commonly known mechanism for disease. Truncations downstream of this position have been classified as pathogenic by our laboratory. The variant allele was found at a frequency of 2.4e-05 in 249362 control chromosomes (gnomAD). c.35dupG has been reported in the literature in several individuals affected with Autosomal Recessive Non-Syndromic Hearing Loss (e.g. Rabionet_2000, D'Andrea_2002, Dai_2009, Hjelm_2010, Godbole_2010, Bazazzadegan_2012, Usami_2012, Banjara_2015, Liu_2020). These data indicate that the variant is very likely to be associated with disease. To our knowledge, no experimental evidence demonstrating an impact on protein function has been reported. Eight other clinical diagnostic laboratories have submitted clinical-significance assessments for this variant to ClinVar after 2014 without evidence for independent evaluation. Based on the evidence outlined above, the variant was classified as pathogenic.

NM_004004.6(GJB2):c.35dup (p.Val13fs)

Gene: GJB2 (gap junction protein beta 2; minus strand). Cytogenetic location: 13q12.11.
Variant type: Duplication.
Coding change: c.35dup on transcript NM_004004.6 (MANE Select); coding-DNA position 35, one base duplicated (G; older notation c.35dupG).
Protein change: p.Val13fs; shifts the reading frame from valine 13.
Genome position (GRCh38, 1-based): chr13:20,189,547, C duplicated on the plus strand (G on the coding strand, the reverse complement: GJB2 is on the minus strand); the first of 6 consecutive C bases (chr13:20,189,547-20,189,552); duplicating any one gives the same sequence. VCF-style (leftmost placement, unchanged base first): chr13-20189546-A-AC. GRCh37 (hg19) VCF-style: chr13-20763685-A-AC.
Other names: p.Val13CysfsX35; c.35dupG (NM_004004.5, NM_004004.6); c.35_36insG (NM_004004.6); short protein forms V13fs.
Identifiers: ClinVar variation 94392 (VCV000094392.82), dbSNP rs80338939, ClinGen allele CA222247.